The following is an entry in ClinVar:

NM_006096.4(NDRG1):c.73G>C (p.Gly25Arg)

Gene: NDRG1 (N-myc downstream regulated 1; minus strand). Cytogenetic location: 8q24.22.
Variant type: single nucleotide variant.
Coding change: c.73G>C on transcript NM_006096.4 (MANE Select); coding-DNA position 73, G replaced by C.
Protein change: p.Gly25Arg; replaces glycine 25 with arginine.
Molecular consequence: missense variant. On other transcripts: 5 prime UTR variant (2), intron variant (1).
Genome position (GRCh38, 1-based): chr8:133,280,258, C>G on the plus strand (G>C on the coding strand, the complement: NDRG1 is on the minus strand). VCF-style: chr8-133280258-C-G. GRCh37 (hg19) VCF-style: chr8-134292501-C-G.
Other names: c.73G>C, p.Gly25Arg (NM_001135242.2, NM_001374844.1, NM_001374845.1 and 1 more transcripts); c.-65G>C (NM_001258433.2); c.-126G>C (NM_001374847.1); c.-99-15606G>C (NM_001258432.2); short protein forms G25R.
Identifiers: ClinVar variation 1365299 (VCV001365299.3), dbSNP rs377527660, ClinGen allele CA4886917.

ClinVar aggregate classification (germline): Uncertain significance (1 of 4 stars; one submission).

Conditions:
Charcot-Marie-Tooth disease type 4. Also called: Charcot-Marie-Tooth disease, type IV; Charcot-Marie-Tooth, Type 4. Identifiers: Orphanet 64749, MedGen C4082197, MONDO:0018995.

Allele frequency attached by ClinVar (database versions not stated): gnomAD 0.00001; ESP Exome Variant Server 0.00008.
gnomAD v4.1: 18 of 1,613,896 alleles (0.0011%); highest among the groups gnomAD compares: Non-Finnish European, 0.0015%; no homozygotes.

Submission:

Labcorp Genetics (formerly Invitae), Labcorp
Classification: Uncertain significance for Charcot-Marie-Tooth disease type 4. Last evaluated: 2022-04-11. Review status: criteria provided, single submitter. Criteria: Invitae Variant Classification Sherloc (09022015). Collection method: clinical testing. Allele origin: germline.
Comment: This sequence change replaces glycine, which is neutral and non-polar, with arginine, which is basic and polar, at codon 25 of the NDRG1 protein (p.Gly25Arg). This variant is present in population databases (rs377527660, gnomAD 0.004%). This variant has not been reported in the literature in individuals affected with NDRG1-related conditions. Algorithms developed to predict the effect of missense changes on protein structure and function (SIFT, PolyPhen-2, Align-GVGD) all suggest that this variant is likely to be tolerated. In summary, the available evidence is currently insufficient to determine the role of this variant in disease. Therefore, it has been classified as a Variant of Uncertain Significance.